The following is an entry in ClinVar:

ClinVar aggregate classification (germline): Conflicting classifications of pathogenicity. Review status: criteria provided, conflicting classifications (1 of 4 stars). 3 submissions from 3 submitters: Uncertain significance (2); Benign (1). Last evaluated 2025-11-17.

Conditions:
Hereditary cancer-predisposing syndrome. Also called: Hereditary Cancer Syndrome; Neoplastic Syndromes, Hereditary; Tumor predisposition; Hereditary neoplastic syndrome. Identifiers: Orphanet 140162, MedGen C0027672, MeSH D009386, MONDO:0015356.
BAP1-related tumor predisposition syndrome (TPDS1). Also called: Tumor susceptibility linked to germline BAP1 mutations; BAP1 tumor predisposition syndrome; COMMON Syndrome; TUMOR PREDISPOSITION SYNDROME 1. Identifiers: Orphanet 289539, MedGen C3280492, MONDO:0013692, OMIM 614327.

Submissions (3):

Labcorp Genetics (formerly Invitae), Labcorp
Classification: Uncertain significance for BAP1-related tumor predisposition syndrome. Last evaluated: 2025-11-17. Review status: criteria provided, single submitter. Criteria: Invitae Variant Classification Sherloc (09022015). Collection method: clinical testing. Allele origin: germline.
Comment: This variant, c.1218_1220del, results in the deletion of 1 amino acid(s) of the BAP1 protein (p.Glu406del), but otherwise preserves the integrity of the reading frame. This variant is present in population databases (rs768718216, gnomAD 0.004%). This variant has not been reported in the literature in individuals affected with BAP1-related conditions. ClinVar contains an entry for this variant (Variation ID: 489606). Experimental studies and prediction algorithms are not available or were not evaluated, and the functional significance of this variant is currently unknown. In summary, the available evidence is currently insufficient to determine the role of this variant in disease. Therefore, it has been classified as a Variant of Uncertain Significance.

Ambry Genetics
Classification: Benign for Hereditary cancer-predisposing syndrome. Last evaluated: 2025-06-03. Review status: criteria provided, single submitter. Criteria: Ambry Variant Classification Scheme 2023. Collection method: clinical testing. Allele origin: germline.

Color Diagnostics, LLC DBA Color Health
Classification: Uncertain significance for Hereditary cancer-predisposing syndrome. Last evaluated: 2019-02-26. Review status: criteria provided, single submitter. Criteria: ACMG Guidelines, 2015. Collection method: clinical testing. Allele origin: germline.

Literature cited by the submitters: PubMed 38969833 (cited by Ambry Genetics).

NM_004656.4(BAP1):c.1215GGA[1] (p.Glu406del)

Gene: BAP1 (BRCA1 associated deubiquitinase 1; minus strand). Cytogenetic location: 3p21.1.
Variant type: Microsatellite.
Coding change: c.1215GGA[1] on transcript NM_004656.4 (MANE Select); one copy of the 3-base unit GGA starting at c.1215; the reference has two copies in a row; one copy, 3 bases deleted; also written c.1218_1220del.
Protein change: p.Glu406del; deletes glutamic acid 406.
Molecular consequence: inframe deletion.
Genome position (GRCh38, 1-based): chr3:52,404,483-52,404,485, TCC deleted on the plus strand (GGA on the coding strand, the reverse complement: BAP1 is on the minus strand); deleting any 3 consecutive bases within chr3:52,404,483-52,404,490 gives the same sequence; the position shown is the placement nearest the transcript's 3' end. VCF-style (leftmost placement, unchanged base first): chr3-52404482-ATCC-A. GRCh37 (hg19) VCF-style: chr3-52438498-ATCC-A.
Other names: c.1218_1220del (NM_004656.3); short protein forms E406del.
Identifiers: ClinVar variation 489606 (VCV000489606.17), dbSNP rs768718216, ClinGen allele CA2436867.
Genomic context (GRCh38, chr3:52,404,482, plus strand): 5'-GAACCTGGTAGCCTTAGAAAGCTGGGCTGACCTAAGGGCAGAGTTGGTGTTCTGCACGTC[ATCC>A]TCCTCGTCATCCTCATAGTCATCCTCATCATCTGAGTACTGCTGGGGTGGGCGGACTGGA-3'